The following is an entry in ClinVar:

ClinVar aggregate classification (germline): Conflicting classifications of pathogenicity. Review status: criteria provided, conflicting classifications (1 of 4 stars). 9 submissions from 9 submitters: Pathogenic (3); Likely pathogenic (2); Uncertain significance (1). 3 of the submissions do not count toward it. Last evaluated 2025-12-16.

Conditions:
Cerebral arteriopathy, autosomal dominant, with subcortical infarcts and leukoencephalopathy, type 1 (CADASIL1). Also called: CASIL; Cerebral arteriopathy with subcortical infarcts and leukoencephalopathy 1; DEMENTIA, HEREDITARY MULTIINFARCT TYPE; CADASIL 1. Identifiers: Orphanet 136, MedGen C4551768, MONDO:0000914, OMIM 125310.
NOTCH3-related disorder. Also called: NOTCH3-related condition; NOTCH3-related disorders.

Allele frequency attached by ClinVar (database versions not stated): gnomAD exomes 0.00002 and 0.00001; gnomAD 0.00001; TOPMed 0.00001.
gnomAD v4.1: 30 of 1,612,106 alleles (0.0019%); highest among the groups gnomAD compares: East Asian, 0.0045%; no homozygotes.

Submissions (9):

Labcorp Genetics (formerly Invitae), Labcorp
Classification: Pathogenic. Last evaluated: 2025-12-16. Review status: criteria provided, single submitter. Criteria: Invitae Variant Classification Sherloc (09022015). Collection method: clinical testing. Allele origin: germline.
Comment: This sequence change replaces arginine, which is basic and polar, with cysteine, which is neutral and slightly polar, at codon 728 of the NOTCH3 protein (p.Arg728Cys). This variant is present in population databases (no rsID available, gnomAD 0.002%). This missense change has been observed in individuals with autosomal dominant cerebral arteriopathy with subcortical infarcts and leukoencephalopathy 1 (PMID: 16009764, 27781952). It has also been observed to segregate with disease in related individuals. ClinVar contains an entry for this variant (Variation ID: 374440). Invitae Evidence Modeling of protein sequence and biophysical properties (such as structural, functional, and spatial information, amino acid conservation, physicochemical variation, residue mobility, and thermodynamic stability) indicates that this missense variant is expected to disrupt NOTCH3 protein function with a positive predictive value of 95%. For these reasons, this variant has been classified as Pathogenic.

Women's Health and Genetics/Laboratory Corporation of America, LabCorp
Classification: Pathogenic for Cerebral arteriopathy, autosomal dominant, with subcortical infarcts and leukoencephalopathy, type 1. Last evaluated: 2025-11-04. Review status: criteria provided, single submitter. Criteria: LabCorp Variant Classification Summary - May 2015. Collection method: clinical testing. Allele origin: germline.
Comment: Variant summary: NOTCH3 c.2182C>T (p.Arg728Cys) results in a non-conservative amino acid change in the encoded protein sequence. Algorithms developed to predict the effect of missense changes on protein structure and function are either unavailable or do not agree on the potential impact of this missense change. The variant allele was found at a frequency of 1.9e-05 in 1612106 control chromosomes, predominantly at a frequency of 1.9e-05 within the Non-Finnish European subpopulation in the gnomAD database. This frequency is not significantly higher than estimated for disease-causing variants in NOTCH3, allowing no conclusion about variant significance. c.2182C>T has been observed in the heterozygous state in multiple individuals affected with autosomal dominant Cerebral arteriopathy, autosomal dominant, with subcortical infarcts and leukoencephalopathy, type 1 (CADASIL) (example, Joutel_1997, Bianchi_2015, Hack_2022). These data indicate that the variant is very likely to be associated with disease. The following publications have been ascertained in the context of this evaluation (PMID: 9388399, 25344745, 35862191). ClinVar contains an entry for this variant (Variation ID: 374440). To our knowledge, this variant has not been reported in individuals with autosomal recessive NOTCH3-related conditions. Based on the evidence outlined above, the variant was classified as pathogenic for autosomal dominant CADASIL.

Blueprint Genetics
Classification: Likely pathogenic for NOTCH3-related disorders. Last evaluated: 2024-07-29. Review status: criteria provided, single submitter. Criteria: ACMG Guidelines, 2015. Collection method: clinical testing. Allele origin: germline. Affected: yes. Observed: 2 variant alleles.

Athena Diagnostics
Classification: Pathogenic. Last evaluated: 2024-03-28. Review status: criteria provided, single submitter. Criteria: Athena Diagnostics Criteria. Collection method: clinical testing. Allele origin: unknown.
Comment: The frequency of this variant in the general population is consistent with pathogenicity. This variant has been identified in at least one individual with clinical features of CADASIL. This variant alters a critical location within the protein, and is expected to severely affect function and cause disease. Greater than 90% of NOTCH3 pathogenic variants associated with CADASIL involve the gain or loss of a cysteine residue within the epidermal growth factor (EGF)-like repeat domain (PMID: 32457593, 20301673).

CeGaT Center for Human Genetics Tuebingen
Classification: Likely pathogenic. Last evaluated: 2023-03-01. Review status: criteria provided, single submitter. Criteria: CeGaT Center For Human Genetics Tuebingen Variant Classification Criteria Version 2. Collection method: clinical testing. Allele origin: germline. Affected: yes. Observed: 2 variant alleles.
Comment: NOTCH3: PM1:Strong, PM2, PS4:Moderate, PP2, PP4, BP4

GeneDx
Classification: Uncertain significance. Last evaluated: 2022-03-31. Review status: criteria provided, single submitter. Criteria: GeneDx Variant Classification Process June 2021. Collection method: clinical testing. Allele origin: germline. Affected: yes.
Comment: In silico analysis, which includes protein predictors and evolutionary conservation, supports a deleterious effect; This variant is associated with the following publications: (PMID: 9388399, 27781952, 27455010, 19174371, 21616505, 11102981, 25344745, 31589614, 33478738, 24844136, 23639391)

Gharavi Laboratory, Columbia University
Classification: Uncertain significance. Last evaluated: 2018-09-16. Review status: no assertion criteria provided. Criteria: ACMG Guidelines, 2015. Collection method: research. Allele origin: germline. Affected: no. Not counted in ClinVar's aggregate classification.

Genome Diagnostics Laboratory, Amsterdam University Medical Center
Classification: Pathogenic. Review status: no assertion criteria provided. Collection method: clinical testing. Allele origin: germline. Affected: yes. Study: VKGL Data-share Consensus. Not counted in ClinVar's aggregate classification.

Laboratory of Diagnostic Genome Analysis, Leiden University Medical Center (LUMC)
Classification: Likely pathogenic. Review status: no assertion criteria provided. Collection method: clinical testing. Allele origin: germline. Affected: yes. Study: VKGL Data-share Consensus. Not counted in ClinVar's aggregate classification.

Literature cited by the submitters: PubMed 16009764 (cited by Labcorp Genetics (formerly Invitae), Labcorp); PubMed 27781952 (cited by Labcorp Genetics (formerly Invitae), Labcorp); PubMed 25344745 (cited by Women's Health and Genetics/Laboratory Corporation of America, LabCorp); PubMed 9388399 (cited by Women's Health and Genetics/Laboratory Corporation of America, LabCorp and Athena Diagnostics); PubMed 35862191 (cited by Women's Health and Genetics/Laboratory Corporation of America, LabCorp); PubMed 23639391 (cited by Athena Diagnostics); PubMed 11102981 (cited by Athena Diagnostics); PubMed 12821764 (cited by Athena Diagnostics).

NM_000435.3(NOTCH3):c.2182C>T (p.Arg728Cys)

Gene: NOTCH3 (notch receptor 3; minus strand). Cytogenetic location: 19p13.12.
Variant type: single nucleotide variant.
Coding change: c.2182C>T on transcript NM_000435.3 (MANE Select); coding-DNA position 2182, C replaced by T.
Protein change: p.Arg728Cys; replaces arginine 728 with cysteine.
Molecular consequence: missense variant.
Genome position (GRCh38, 1-based): chr19:15,185,371, G>A on the plus strand (C>T on the coding strand, the complement: NOTCH3 is on the minus strand). VCF-style: chr19-15185371-G-A. GRCh37 (hg19) VCF-style: chr19-15296182-G-A.
Other names: short protein forms R728C.
Identifiers: ClinVar variation 374440 (VCV000374440.51), dbSNP rs1057519101, ClinGen allele CA16043736.